The following is an entry in ClinVar:

ClinVar aggregate classification (germline): Uncertain significance (1 of 4 stars; one submission).

Conditions:
Microcephaly, normal intelligence and immunodeficiency (NBS). Also called: SEEMANOVA SYNDROME II; Ataxia telangiectasia variant V1; IMMUNODEFICIENCY, MICROCEPHALY, AND CHROMOSOMAL INSTABILITY; Immunodeficiency, microcephaly with normal intelligence; Nijmegen breakage syndrome; Microcephaly with normal intelligence immunodeficiency and lymphoreticular malignancies. Identifiers: Orphanet 647, MedGen C0398791, MONDO:0009623, OMIM 251260.

Submission:

Labcorp Genetics (formerly Invitae), Labcorp
Classification: Uncertain significance for Microcephaly, normal intelligence and immunodeficiency. Last evaluated: 2023-03-23. Review status: criteria provided, single submitter. Criteria: Invitae Variant Classification Sherloc (09022015). Collection method: clinical testing. Allele origin: germline.
Comment: This sequence change replaces leucine, which is neutral and non-polar, with serine, which is neutral and polar, at codon 48 of the NBN protein (p.Leu48Ser). This variant is not present in population databases (gnomAD no frequency). This variant has not been reported in the literature in individuals affected with NBN-related conditions. An algorithm developed to predict the effect of missense changes on protein structure and function (PolyPhen-2) suggests that this variant is likely to be disruptive. In summary, the available evidence is currently insufficient to determine the role of this variant in disease. Therefore, it has been classified as a Variant of Uncertain Significance.

NM_002485.5(NBN):c.143T>C (p.Leu48Ser)

Gene: NBN (nibrin; minus strand). Cytogenetic location: 8q21.3.
Variant type: single nucleotide variant.
Coding change: c.143T>C on transcript NM_002485.5 (MANE Select); coding-DNA position 143, T replaced by C.
Protein change: p.Leu48Ser; replaces leucine 48 with serine.
Molecular consequence: missense variant. On other transcripts: 5 prime UTR variant (1).
Genome position (GRCh38, 1-based): chr8:89,982,750, A>G on the plus strand (T>C on the coding strand, the complement: NBN is on the minus strand). VCF-style: chr8-89982750-A-G. GRCh37 (hg19) VCF-style: chr8-90994978-A-G.
Other names: c.-154T>C (NM_001024688.3); short protein forms L48S.
Identifiers: ClinVar variation 2781807 (VCV002781807.3), dbSNP rs2129924518, ClinGen allele CA371662996.